The following is an entry in ClinVar:

NM_001374353.1(GLI2):c.798_804del (p.Ser266fs)

Gene: GLI2 (GLI family zinc finger 2; plus strand). Cytogenetic location: 2q14.2.
Variant type: Deletion.
Coding change: c.798_804del on transcript NM_001374353.1 (MANE Select); coding-DNA positions 798 to 804, 7 bases deleted (CTCGGCG; older notation c.798_804delCTCGGCG).
Protein change: p.Ser266fs; shifts the reading frame from serine 266.
Molecular consequence: frameshift variant.
Genome position (GRCh38, 1-based): chr2:120,968,868-120,968,874, CTCGGCG deleted; deleting any 7 consecutive bases within chr2:120,968,867-120,968,874 gives the same sequence; the c. name uses the placement nearest the transcript's 3' end. VCF-style (leftmost placement, unchanged base first): chr2-120968866-AGCTCGGC-A. GRCh37 (hg19) VCF-style: chr2-121726442-AGCTCGGC-A.
Other names: c.798_804del, p.Ser266fs (NM_001371271.1, NM_005270.5); c.423_429del, p.Ser141fs (NM_001374354.1); short protein forms S141fs, S266fs.
Identifiers: ClinVar variation 2631388 (VCV002631388.1), dbSNP rs2467686698, ClinGen allele CA2695197010.

ClinVar aggregate classification (germline): Pathogenic (1 of 4 stars; one submission).

Conditions:
GLI2-related disorder. Also called: GLI2-related disorders; GLI2-related condition.

Submission:

PreventionGenetics, part of Exact Sciences
Classification: Pathogenic for GLI2-related condition. Last evaluated: 2023-07-14. Review status: criteria provided, single submitter. Criteria: ACMG Guidelines, 2015. Collection method: clinical testing. Allele origin: germline.
Comment: The GLI2 c.798_804del7 variant is predicted to result in a frameshift and premature protein termination (p.Ser266Argfs*33). To our knowledge, this variant has not been reported in the literature or in a large population database, indicating this variant is rare. Frameshift variants in GLI2 are expected to be pathogenic. This variant is interpreted as pathogenic.